The following is an entry in ClinVar:

NM_001292063.2(OTOG):c.600CTT[1] (p.Phe202del)

Gene: OTOG (otogelin; plus strand). Cytogenetic location: 11p15.1.
Variant type: Microsatellite.
Coding change: c.600CTT[1] on transcript NM_001292063.2 (MANE Select); one copy of the 3-base unit CTT starting at c.600; the reference has two copies in a row; one copy, 3 bases deleted.
Protein change: p.Phe202del; deletes phenylalanine 202.
Molecular consequence: inframe deletion.
Genome position (GRCh38, 1-based): chr11:17,555,841-17,555,843, CTT deleted; deleting any 3 consecutive bases within chr11:17,555,837-17,555,843 gives the same sequence; the position shown is the placement nearest the transcript's 3' end. VCF-style (leftmost placement, unchanged base first): chr11-17555836-CTCT-C. GRCh37 (hg19) VCF-style: chr11-17577383-CTCT-C.
Other names: c.639_641delCTT (NM_001277269.1); c.636CTT[1], p.Phe214del (NM_001277269.2); c.639_641del (NM_001277269.1); short protein forms F214del, F202del.
Identifiers: ClinVar variation 596372 (VCV000596372.19), dbSNP rs753906203, ClinGen allele CA5905383.

ClinVar aggregate classification (germline): Conflicting classifications of pathogenicity. Review status: criteria provided, conflicting classifications (1 of 4 stars). 10 submissions from 10 submitters: Uncertain significance (8); Likely benign (1). 1 of the submissions does not count toward it. Last evaluated 2026-09-30.

Conditions:
Autosomal recessive nonsyndromic hearing loss 18B. Also called: Deafness, autosomal recessive 18b. Identifiers: Orphanet 90636, MedGen C3554163, MONDO:0013985, OMIM 614945.
OTOG-related disorder. Also called: OTOG-related condition.

Submissions (10):

GeneDx
Classification: Uncertain significance. Last evaluated: 2026-09-30. Review status: criteria provided, single submitter. Criteria: GeneDx Variant Classification Process June 2021. Collection method: clinical testing. Allele origin: germline.
Comment: In-frame deletion of 1 amino acid in a non-repeat region; In silico analysis supports a deleterious effect on protein structure/function; Has not been previously published as pathogenic or benign to our knowledge

CeGaT Center for Human Genetics Tuebingen
Classification: Likely benign. Last evaluated: 2026-09-01. Review status: criteria provided, single submitter. Criteria: CeGaT Center For Human Genetics Tuebingen Variant Classification Criteria Version 2. Collection method: clinical testing. Allele origin: germline. Affected: yes. Observed: 2 variant alleles.
Comment: OTOG: PM4:Supporting, BS2

Blueprint Genetics
Classification: Uncertain significance. Last evaluated: 2024-11-26. Review status: criteria provided, single submitter. Criteria: ACMG Guidelines, 2015. Collection method: clinical testing. Allele origin: germline.

Department of Pathology and Laboratory Medicine, Sinai Health System
Classification: Uncertain significance for Autosomal recessive nonsyndromic hearing loss 18B. Last evaluated: 2023-02-26. Review status: criteria provided, single submitter. Criteria: ACMG Guidelines, 2015. Collection method: research. Allele origin: germline.

Labcorp Genetics (formerly Invitae), Labcorp
Classification: Uncertain significance. Last evaluated: 2022-09-27. Review status: criteria provided, single submitter. Criteria: Invitae Variant Classification Sherloc (09022015). Collection method: clinical testing. Allele origin: germline.
Comment: This variant, c.639_641del, results in the deletion of 1 amino acid(s) of the OTOG protein (p.Phe214del), but otherwise preserves the integrity of the reading frame. This variant is present in population databases (rs753906203, gnomAD 0.2%), and has an allele count higher than expected for a pathogenic variant. This variant has not been reported in the literature in individuals affected with OTOG-related conditions. ClinVar contains an entry for this variant (Variation ID: 596372). Experimental studies and prediction algorithms are not available or were not evaluated, and the functional significance of this variant is currently unknown. In summary, the available evidence is currently insufficient to determine the role of this variant in disease. Therefore, it has been classified as a Variant of Uncertain Significance.

Laboratory for Molecular Medicine, Mass General Brigham Personalized Medicine
Classification: Uncertain significance. Last evaluated: 2021-02-17. Review status: criteria provided, single submitter. Criteria: LMM Criteria. Collection method: clinical testing. Allele origin: germline. Observed: 1 variant allele.
Comment: The p.Phe214del variant in OTOG has not been previously reported in individuals with hearing loss but has been identified in 0.18% (125/71330) of European chromosomes by gnomAD. The variant has been reported in ClinVar (Variation ID 596372). This variant is a an in-frame deletion of one amino acid at position 214 and is not predicted to alter the protein reading frame. Thus, it is unclear if this deletion will impact the protein. In summary, the clinical significance of this variant is uncertain. ACMG/AMP criteria applied: BS1_Supporting.

Victorian Clinical Genetics Services, Murdoch Childrens Research Institute
Classification: Uncertain significance for Autosomal recessive nonsyndromic hearing loss 18B. Last evaluated: 2020-10-19. Review status: criteria provided, single submitter. Criteria: ACMG Guidelines, 2015. Collection method: clinical testing. Allele origin: germline. Inheritance: Autosomal recessive inheritance. Affected: yes.
Comment: Based on the classification scheme VCGS_Germline_v1.1.1, this variant is classified as 3B-VUS. Following criteria are met: 0102 - Loss-of-function is a known mechanism of disease for this gene. (N) 0106 - This gene is known to be associated with autosomal recessive disease. (N) 0216 - In-frame insertion/deletion in a non-repetitive region that has low conservation (exon 6). (P) 0251 - Variant is heterozygous. (N) 0304 - Variant is present in gnomAD (v2) <0.01 for a recessive condition (167 heterozygotes, 0 homozygotes). (P) 0600 - Variant is located in an annotated domain or motif (VWD domain; NCBI, PDB). (N) 0705 - No comparable variants have previous evidence for pathogenicity. (N) 0808 - Previous reports of pathogenicity are inconclusive. The variant has previously been classified as a VUS (ClinVar). (N) 0905 - No segregation evidence has been identified for this variant. (N) 1007 - No published functional evidence has been identified for this variant. (N) 1208 - Inheritance information for this variant is not currently available. (N) Legend: (P) - Pathogenic, (N) - Neutral, (B) - Benign

Baylor Genetics
Classification: Uncertain significance for Autosomal recessive nonsyndromic hearing loss 18B. Last evaluated: 2018-08-09. Review status: criteria provided, single submitter. Criteria: ACMG Guidelines, 2015. Collection method: clinical testing. Allele origin: paternal. Affected: yes.
Comment: This variant was determined to be of uncertain significance according to ACMG Guidelines, 2015 [PMID:25741868].

Eurofins Ntd Llc (ga)
Classification: Uncertain significance. Last evaluated: 2018-03-27. Review status: criteria provided, single submitter. Criteria: EGL ClinVar v180209 classification definitions. Collection method: clinical testing. Allele origin: germline. Observed: 1 variant allele, 1 heterozygote.

PreventionGenetics, part of Exact Sciences
Classification: Likely benign for OTOG-related condition. Last evaluated: 2024-05-09. Review status: no assertion criteria provided. Collection method: clinical testing. Allele origin: germline. Not counted in ClinVar's aggregate classification.
Comment: This variant is classified as likely benign based on ACMG/AMP sequence variant interpretation guidelines (Richards et al. 2015 PMID: 25741868, with internal and published modifications).